The following is an entry in ClinVar:

NM_005609.4(PYGM):c.64G>A (p.Val22Met)

Gene: PYGM (glycogen phosphorylase, muscle associated; minus strand). Cytogenetic location: 11q13.1.
Variant type: single nucleotide variant.
Coding change: c.64G>A on transcript NM_005609.4 (MANE Select); coding-DNA position 64, G replaced by A.
Protein change: p.Val22Met; replaces valine 22 with methionine.
Molecular consequence: missense variant.
Genome position (GRCh38, 1-based): chr11:64,759,835, C>T on the plus strand (G>A on the coding strand, the complement: PYGM is on the minus strand). VCF-style: chr11-64759835-C-T. GRCh37 (hg19) VCF-style: chr11-64527307-C-T.
Other names: c.64G>A, p.Val22Met (NM_001164716.1); short protein forms V22M.
Identifiers: ClinVar variation 290035 (VCV000290035.17), dbSNP rs140731551, ClinGen allele CA10606633.
Genomic context (GRCh38, chr11:64,759,835, plus strand): 5'-TTACGAGTGTGAAATGCAGGTGCCGGTTGAAGTTCTTTTTCAGCTCAGTCACGTTCTCCA[C>T]GCCGGCCAGGCCACGCACACTGATTTGCTTTCTTTTCTCTTGGTCTGACAGGGGCCGGGA-3'
Protein context (NP_005600.1, residues 12-32): KQISVRGLAG[Val22Met]ENVTELKKNF

ClinVar aggregate classification (germline): Uncertain significance. Review status: criteria provided, multiple submitters, no conflicts (2 of 4 stars). 6 submissions from 6 submitters: Uncertain significance (5). 1 of the submissions does not count toward it. Last evaluated 2024-03-06.

Conditions:
Glycogen storage disease, type V (GSD5). Also called: MCARDLE DISEASE; MUSCLE GLYCOGEN PHOSPHORYLASE DEFICIENCY; MYOPHOSPHORYLASE DEFICIENCY; PYGM DEFICIENCY; McArdle type glycogen storage disease. Identifiers: Orphanet 368, MedGen C0017924, MONDO:0009293, OMIM 232600.

Allele frequency attached by ClinVar (database versions not stated): gnomAD exomes 0.00002 and 0.00010; gnomAD 0.00003; TOPMed 0.00006; ESP Exome Variant Server 0.00008.
gnomAD v4.1: 154 of 1,614,026 alleles (0.0095%); highest among the groups gnomAD compares: Non-Finnish European, 0.012%; no homozygotes.

Submissions (6):

Fulgent Genetics
Classification: Uncertain significance for Glycogen storage disease, type V. Last evaluated: 2024-03-06. Review status: criteria provided, single submitter. Criteria: ACMG Guidelines, 2015. Collection method: clinical testing. Allele origin: germline.

Revvity Omics, Revvity
Classification: Uncertain significance for Glycogen storage disease, type V. Last evaluated: 2022-11-14. Review status: criteria provided, single submitter. Criteria: ACMG Guidelines, 2015. Collection method: clinical testing. Allele origin: germline.

Labcorp Genetics (formerly Invitae), Labcorp
Classification: Uncertain significance for Glycogen storage disease, type V. Last evaluated: 2022-06-07. Review status: criteria provided, single submitter. Criteria: Invitae Variant Classification Sherloc (09022015). Collection method: clinical testing. Allele origin: germline.
Comment: This sequence change replaces valine, which is neutral and non-polar, with methionine, which is neutral and non-polar, at codon 22 of the PYGM protein (p.Val22Met). This variant is present in population databases (rs140731551, gnomAD 0.004%). This variant has not been reported in the literature in individuals affected with PYGM-related conditions. ClinVar contains an entry for this variant (Variation ID: 290035). Algorithms developed to predict the effect of missense changes on protein structure and function are either unavailable or do not agree on the potential impact of this missense change (SIFT: "Not Available"; PolyPhen-2: "Benign"; Align-GVGD: "Not Available"). In summary, the available evidence is currently insufficient to determine the role of this variant in disease. Therefore, it has been classified as a Variant of Uncertain Significance.

Illumina Laboratory Services, Illumina
Classification: Uncertain significance for Glycogen storage disease, type V. Last evaluated: 2018-01-13. Review status: criteria provided, single submitter. Criteria: ICSL Variant Classification Criteria 13 December 2019. Collection method: clinical testing. Allele origin: germline.

Eurofins Ntd Llc (ga)
Classification: Uncertain significance. Last evaluated: 2016-08-05. Review status: criteria provided, single submitter. Criteria: EGL Classification Definitions 2015. Collection method: clinical testing. Allele origin: germline. Observed: 1 variant allele, 1 heterozygote.

Natera, Inc.
Classification: Uncertain significance for Glycogen storage disease V. Last evaluated: 2020-02-21. Review status: no assertion criteria provided. Collection method: clinical testing. Allele origin: germline. Not counted in ClinVar's aggregate classification.